The following is an entry in ClinVar:

ClinVar aggregate classification (germline): Uncertain significance (1 of 4 stars; one submission).

Allele frequency attached by ClinVar (database versions not stated): gnomAD exomes below 0.00001; gnomAD 0.00001.
gnomAD v4.1: 3 of 1,613,400 alleles (0.00019%); highest among the groups gnomAD compares: South Asian, 0.0011%; no homozygotes.

Submission:

Labcorp Genetics (formerly Invitae), Labcorp
Classification: Uncertain significance. Last evaluated: 2025-08-18. Review status: criteria provided, single submitter. Criteria: Invitae Variant Classification Sherloc (09022015). Collection method: clinical testing. Allele origin: germline.
Comment: This sequence change replaces serine, which is neutral and polar, with asparagine, which is neutral and polar, at codon 4306 of the ADGRV1 protein (p.Ser4306Asn). This variant is not present in population databases (gnomAD no frequency). This variant has not been reported in the literature in individuals affected with ADGRV1-related conditions. ClinVar contains an entry for this variant (Variation ID: 1361982). Invitae Evidence Modeling of protein sequence and biophysical properties (such as structural, functional, and spatial information, amino acid conservation, physicochemical variation, residue mobility, and thermodynamic stability) indicates that this missense variant is not expected to disrupt ADGRV1 protein function with a negative predictive value of 95%. In summary, the available evidence is currently insufficient to determine the role of this variant in disease. Therefore, it has been classified as a Variant of Uncertain Significance.

NM_032119.4(ADGRV1):c.12917G>A (p.Ser4306Asn)

Gene: ADGRV1 (adhesion G protein-coupled receptor V1; plus strand). Cytogenetic location: 5q14.3.
Variant type: single nucleotide variant.
Coding change: c.12917G>A on transcript NM_032119.4 (MANE Select); coding-DNA position 12917, G replaced by A.
Protein change: p.Ser4306Asn; replaces serine 4306 with asparagine.
Molecular consequence: missense variant. On other transcripts: non-coding transcript variant (1).
Genome position (GRCh38, 1-based): chr5:90,778,932, G>A. VCF-style: chr5-90778932-G-A. GRCh37 (hg19) VCF-style: chr5-90074749-G-A.
Other names: short protein forms S4306N.
Identifiers: ClinVar variation 1361982 (VCV001361982.8), dbSNP rs1053016545, ClinGen allele CA122804229.